The following is an entry in ClinVar:

ClinVar aggregate classification (germline): Pathogenic (1 of 4 stars; one submission).

Conditions:
Gorlin syndrome. Also called: Basal cell nevus syndrome; Nevoid Basal Cell Carcinoma Syndrome. Identifiers: Orphanet 377, MedGen C0004779, MONDO:0007187.

Submission:

Labcorp Genetics (formerly Invitae), Labcorp
Classification: Pathogenic for Gorlin syndrome. Last evaluated: 2020-06-12. Review status: criteria provided, single submitter. Criteria: Invitae Variant Classification Sherloc (09022015). Collection method: clinical testing. Allele origin: germline.
Comment: Loss-of-function variants in PTCH1 are known to be pathogenic (PMID: 16301862, 16419085). This variant has been observed in individual(s) with clinical features of basal cell nevus syndrome (Invitae). This variant is not present in population databases (ExAC no frequency). This sequence change creates a premature translational stop signal (p.Thr351Leufs*16) in the PTCH1 gene. It is expected to result in an absent or disrupted protein product. For these reasons, this variant has been classified as Pathogenic.

Literature cited by the submitters: PubMed 16301862; PubMed 16419085.

NM_000264.5(PTCH1):c.1051del (p.Thr351fs)

Gene: PTCH1 (patched 1; minus strand). Cytogenetic location: 9q22.32.
Variant type: Deletion.
Coding change: c.1051del on transcript NM_000264.5 (MANE Select); coding-DNA position 1051, one base deleted (A; older notation c.1051delA).
Protein change: p.Thr351fs; shifts the reading frame from threonine 351.
Molecular consequence: frameshift variant. On other transcripts: non-coding transcript variant (1).
Genome position (GRCh38, 1-based): chr9:95,479,985, T deleted on the plus strand (A on the coding strand, the reverse complement: PTCH1 is on the minus strand). VCF-style (leftmost placement, unchanged base first): chr9-95479984-GT-G. GRCh37 (hg19) VCF-style: chr9-98242266-GT-G.
Other names: c.853del, p.Thr285fs (NM_001083602.3); c.1048del, p.Thr350fs (NM_001083603.3); c.598del, p.Thr200fs (NM_001083604.3, NM_001083605.3, NM_001083606.3 and 1 more transcripts); c.1051del, p.Thr351fs (NM_001354918.2); short protein forms T200fs, T285fs, T350fs, T351fs.
Identifiers: ClinVar variation 1075168 (VCV001075168.9), dbSNP rs2118388351, ClinGen allele CA2499220078.